The following is an entry in ClinVar:

NM_015450.3(POT1):c.1143T>G (p.His381Gln)

Gene: POT1 (protection of telomeres 1; minus strand). Cytogenetic location: 7q31.33.
Variant type: single nucleotide variant.
Coding change: c.1143T>G on transcript NM_015450.3 (MANE Select); coding-DNA position 1143, T replaced by G.
Protein change: p.His381Gln; replaces histidine 381 with glutamine.
Molecular consequence: missense variant. On other transcripts: non-coding transcript variant (3).
Genome position (GRCh38, 1-based): chr7:124,842,827, A>C on the plus strand (T>G on the coding strand, the complement: POT1 is on the minus strand). VCF-style: chr7-124842827-A-C. GRCh37 (hg19) VCF-style: chr7-124482881-A-C.
Other names: c.750T>G, p.His250Gln (NM_001042594.2); short protein forms H381Q, H250Q.
Identifiers: ClinVar variation 3423119 (VCV003423119.1).
Genomic context (GRCh38, chr7:124,842,827, plus strand): 5'-ATAATATGAAAACGTTTGTTTTATTATGGAAAATACTCACAGCAAATGACATTTAGGGCA[A>C]TGAAGTTTAACAGACTGAAATAGTCTTCTGGGCTTATATGACCTCAATTTTGCTCGGATG-3'
Protein context (NP_056265.2, residues 371-391): PRRLFQSVKL[His381Gln]CPKCHLLQEV

ClinVar aggregate classification (germline): Uncertain significance (1 of 4 stars; one submission).

Conditions:
Hereditary cancer-predisposing syndrome. Also called: Neoplastic Syndromes, Hereditary; Tumor predisposition; Hereditary Cancer Syndrome; Hereditary neoplastic syndrome. Identifiers: Orphanet 140162, MedGen C0027672, MeSH D009386, MONDO:0015356.

gnomAD v4.1: 1 of 1,598,888 alleles (0.000063%); highest among the groups gnomAD compares: Non-Finnish European, 0.000085%; no homozygotes.

Submission:

Ambry Genetics
Classification: Uncertain significance for Hereditary cancer-predisposing syndrome. Last evaluated: 2024-08-30. Review status: criteria provided, single submitter. Criteria: Ambry Variant Classification Scheme 2023. Collection method: clinical testing. Allele origin: germline.
Comment: The p.H381Q variant (also known as c.1143T>G), located in coding exon 9 of the POT1 gene, results from a T to G substitution at nucleotide position 1143. The histidine at codon 381 is replaced by glutamine, an amino acid with highly similar properties. This amino acid position is conserved. In addition, this alteration is predicted to be tolerated by in silico analysis. Based on the available evidence, the clinical significance of this variant remains unclear.